The following is an entry in ClinVar:

NM_017433.5(MYO3A):c.3126T>G (p.Tyr1042Ter)

Gene: MYO3A (myosin IIIA; plus strand). Cytogenetic location: 10p12.1.
Variant type: single nucleotide variant.
Coding change: c.3126T>G on transcript NM_017433.5 (MANE Select); coding-DNA position 3126, T replaced by G.
Protein change: p.Tyr1042Ter; replaces tyrosine 1042 with a stop codon.
Molecular consequence: nonsense.
Genome position (GRCh38, 1-based): chr10:26,168,726, T>G. VCF-style: chr10-26168726-T-G. GRCh37 (hg19) VCF-style: chr10-26457655-T-G.
Other names: short protein forms Y1042*.
Identifiers: ClinVar variation 3392534 (VCV003392534.2).

ClinVar aggregate classification (germline): Pathogenic. Review status: criteria provided, multiple submitters, no conflicts (2 of 4 stars). 2 submissions from 2 submitters: Pathogenic (2). Last evaluated 2024-12-29.

Conditions:
Autosomal recessive nonsyndromic hearing loss 30. Identifiers: Orphanet 90636, MedGen C1846784, MONDO:0011774, OMIM 607101.

gnomAD v4.1: 20 of 1,612,856 alleles (0.0012%); highest among the groups gnomAD compares: Middle Eastern, 0.017%; no homozygotes.

Submissions (2):

Laboratory of Prof. Karen Avraham, Tel Aviv University
Classification: Pathogenic for Autosomal recessive nonsyndromic hearing loss 30. Last evaluated: 2024-12-29. Review status: criteria provided, single submitter. Criteria: ACMG Guidelines, 2015. Collection method: research. Allele origin: germline. Inheritance: Autosomal recessive inheritance. Affected: yes. Observed: 1 compound heterozygote.
Comment: The c.3126T>G, p.(Tyr1042*) variant is a known pathogenic recessive variant, ACMG PVS1, PM2, PM3, PM2 (PMID: 12032315).

Clinical Genetics Service, Universitary Hospital 12 de Octubre
Classification: Pathogenic for Autosomal recessive nonsyndromic hearing loss 30. Review status: criteria provided, single submitter. Criteria: ACMG Guidelines, 2015. Collection method: clinical testing. Allele origin: germline. Affected: yes.

Literature cited by the submitters: PubMed 12032315 (cited by Laboratory of Prof. Karen Avraham, Tel Aviv University).